The following is an entry in ClinVar:

ClinVar aggregate classification (germline): Uncertain significance (1 of 4 stars; one submission).

Submission:

Labcorp Genetics (formerly Invitae), Labcorp
Classification: Uncertain significance. Last evaluated: 2022-05-11. Review status: criteria provided, single submitter. Criteria: Invitae Variant Classification Sherloc (09022015). Collection method: clinical testing. Allele origin: germline.
Comment: This variant is not present in population databases (gnomAD no frequency). In summary, the available evidence is currently insufficient to determine the role of this variant in disease. Therefore, it has been classified as a Variant of Uncertain Significance. Algorithms developed to predict the effect of missense changes on protein structure and function (SIFT, PolyPhen-2, Align-GVGD) all suggest that this variant is likely to be disruptive. This variant has not been reported in the literature in individuals affected with POLE-related conditions. This sequence change replaces arginine, which is basic and polar, with glycine, which is neutral and non-polar, at codon 847 of the POLE protein (p.Arg847Gly).

NM_006231.4(POLE):c.2539C>G (p.Arg847Gly)

Gene: POLE (DNA polymerase epsilon, catalytic subunit; minus strand). Cytogenetic location: 12q24.33.
Variant type: single nucleotide variant.
Coding change: c.2539C>G on transcript NM_006231.4 (MANE Select); coding-DNA position 2539, C replaced by G.
Protein change: p.Arg847Gly; replaces arginine 847 with glycine.
Molecular consequence: missense variant.
Genome position (GRCh38, 1-based): chr12:132,664,392, G>C on the plus strand (C>G on the coding strand, the complement: POLE is on the minus strand). VCF-style: chr12-132664392-G-C. GRCh37 (hg19) VCF-style: chr12-133240978-G-C.
Other names: short protein forms R847G.
Identifiers: ClinVar variation 1992934 (VCV001992934.4), dbSNP rs1428997822, ClinGen allele CA387396250.